The following is an entry in ClinVar:

NM_000341.4(SLC3A1):c.1699_1700del (p.Arg567fs)

Genes: PREPL (prolyl endopeptidase like; minus strand), SLC3A1 (solute carrier family 3 member 1; plus strand). Cytogenetic location: 2p21.
Variant type: Deletion.
Coding change: c.1699_1700del on transcript NM_000341.4 (MANE Select); coding-DNA positions 1699 to 1700, 2 bases deleted (AG; older notation c.1699_1700delAG).
Protein change: p.Arg567fs; shifts the reading frame from arginine 567.
Molecular consequence: frameshift variant. On other transcripts: 3 prime UTR variant (10).
Genome position (GRCh38, 1-based): chr2:44,320,280-44,320,281, AG deleted. VCF-style (leftmost placement, unchanged base first): chr2-44320279-CAG-C. GRCh37 (hg19) VCF-style: chr2-44547418-CAG-C.
Other names: c.*1075_*1076del (NM_001042385.2, NM_001042386.2, NM_001171603.1 and 7 more transcripts); short protein forms R567fs.
Identifiers: ClinVar variation 1071553 (VCV001071553.14), dbSNP rs777575410, ClinGen allele CA1640739.
Genomic context (GRCh38, chr2:44,320,279, plus strand): 5'-ATCGGCTTTGAAGTTATATCAAGATTTAAGTCTACTTCATGCCAATGAGCTACTCCTCAA[CAG>C]GGGCTGGTTTTGCCATTTGAGGAATGACAGCCACTATGTTGTGTACACAAGAGAGCTGGA-3'

ClinVar aggregate classification (germline): Pathogenic. Review status: criteria provided, multiple submitters, no conflicts (2 of 4 stars). 4 submissions from 4 submitters: Pathogenic (4). Last evaluated 2025-09-24.

Conditions:
SLC3A1-related disorder. Also called: SLC3A1-related condition.
Cystinuria (CSNU). Also called: CYSTINURIA, TYPE I; CYSTINURIA, TYPE II; CYSTINURIA, TYPE III; Cystinuria, non-type I. Identifiers: Orphanet 214, MedGen C0010691, MONDO:0009067, OMIM 220100, HP:0003131.

Allele frequency attached by ClinVar (database versions not stated): gnomAD 0.00001; gnomAD exomes 0.00001 and 0.00002; TOPMed 0.00001; ExAC 0.00002.

Submissions (4):

Genetics and Genomic Medicine Centre, NeuroGen Healthcare, NeuroGen Healthcare
Classification: Pathogenic for Cystinuria. Last evaluated: 2025-09-24. Review status: criteria provided, single submitter. Criteria: ACMG Guidelines, 2015. Collection method: clinical testing. Allele origin: unknown. Affected: yes.

Fulgent Genetics
Classification: Pathogenic for Cystinuria. Last evaluated: 2024-05-02. Review status: criteria provided, single submitter. Criteria: ACMG Guidelines, 2015. Collection method: clinical testing. Allele origin: germline.

Blueprint Genetics
Classification: Pathogenic for SLC3A1-related disorders. Last evaluated: 2024-01-29. Review status: criteria provided, single submitter. Criteria: ACMG Guidelines, 2015. Collection method: clinical testing. Allele origin: germline. Affected: yes. Observed: 5 variant alleles.

Labcorp Genetics (formerly Invitae), Labcorp
Classification: Pathogenic for Cystinuria. Last evaluated: 2022-05-17. Review status: criteria provided, single submitter. Criteria: Invitae Variant Classification Sherloc (09022015). Collection method: clinical testing. Allele origin: germline.
Comment: This sequence change creates a premature translational stop signal (p.Arg567Glyfs*9) in the SLC3A1 gene. While this is not anticipated to result in nonsense mediated decay, it is expected to disrupt the last 119 amino acid(s) of the SLC3A1 protein. This variant is present in population databases (rs777575410, gnomAD 0.003%). This premature translational stop signal has been observed in individuals with cystinuria (PMID: 15635077, 28646536, 28717662). This variant is also known as p.R567fsX8. ClinVar contains an entry for this variant (Variation ID: 1071553). Experimental studies and prediction algorithms are not available or were not evaluated, and the functional significance of this variant is currently unknown. For these reasons, this variant has been classified as Pathogenic.

Literature cited by the submitters: PubMed 15635077 (cited by Labcorp Genetics (formerly Invitae), Labcorp); PubMed 28646536 (cited by Labcorp Genetics (formerly Invitae), Labcorp); PubMed 28717662 (cited by Labcorp Genetics (formerly Invitae), Labcorp).